The following is an entry in ClinVar:

ClinVar aggregate classification (germline): Uncertain significance. Review status: criteria provided, multiple submitters, no conflicts (2 of 4 stars). 2 submissions from 2 submitters: Uncertain significance (2). Last evaluated 2024-12-06.

Conditions:
Hereditary breast ovarian cancer syndrome. Also called: BRCA1- and BRCA2-Associated Hereditary Breast and Ovarian Cancer; Hereditary breast and ovarian cancer syndrome; Hereditary breast and ovarian cancer syndrome (HBOC); Hereditary breast and/or ovarian cancer syndrome; Breast and ovarian cancer; Hereditary breast and ovarian cancer. Identifiers: Orphanet 145, MedGen C0677776, MeSH D061325, MONDO:0003582. Disease mechanism: loss of function.
Hereditary cancer-predisposing syndrome. Also called: Hereditary neoplastic syndrome; Neoplastic Syndromes, Hereditary; Hereditary Cancer Syndrome; Tumor predisposition. Identifiers: Orphanet 140162, MedGen C0027672, MeSH D009386, MONDO:0015356.

Submissions (2):

Ambry Genetics
Classification: Uncertain significance for Hereditary cancer-predisposing syndrome. Last evaluated: 2024-12-06. Review status: criteria provided, single submitter. Criteria: Ambry Variant Classification Scheme 2023. Collection method: clinical testing. Allele origin: germline.
Comment: The p.P3189R variant (also known as c.9566C>G), located in coding exon 25 of the BRCA2 gene, results from a C to G substitution at nucleotide position 9566. The proline at codon 3189 is replaced by arginine, an amino acid with dissimilar properties. This amino acid position is not well conserved in available vertebrate species. In addition, the in silico prediction for this alteration is inconclusive. Based on the available evidence, the clinical significance of this variant remains unclear.

Labcorp Genetics (formerly Invitae), Labcorp
Classification: Uncertain significance for Hereditary breast ovarian cancer syndrome. Last evaluated: 2018-12-04. Review status: criteria provided, single submitter. Criteria: Invitae Variant Classification Sherloc (09022015). Collection method: clinical testing. Allele origin: germline.
Comment: This variant is not present in population databases (ExAC no frequency). This sequence change replaces proline with arginine at codon 3189 of the BRCA2 protein (p.Pro3189Arg). The proline residue is weakly conserved and there is a moderate physicochemical difference between proline and arginine. This variant has not been reported in the literature in individuals with BRCA2-related conditions. In summary, the available evidence is currently insufficient to determine the role of this variant in disease. Therefore, it has been classified as a Variant of Uncertain Significance. Algorithms developed to predict the effect of missense changes on protein structure and function are either unavailable or do not agree on the potential impact of this missense change (SIFT: "Deleterious"; PolyPhen-2: "Possibly Damaging"; Align-GVGD: "Class C0").

NM_000059.4(BRCA2):c.9566C>G (p.Pro3189Arg)

Gene: BRCA2 (BRCA2 DNA repair associated; plus strand). Cytogenetic location: 13q13.1.
Variant type: single nucleotide variant.
Coding change: c.9566C>G on transcript NM_000059.4 (MANE Select); coding-DNA position 9566, C replaced by G.
Protein change: p.Pro3189Arg; replaces proline 3189 with arginine.
Molecular consequence: missense variant.
Genome position (GRCh38, 1-based): chr13:32,396,962, C>G. VCF-style: chr13-32396962-C-G. GRCh37 (hg19) VCF-style: chr13-32971099-C-G.
Other names: short protein forms P3189R.
Identifiers: ClinVar variation 657935 (VCV000657935.10), dbSNP rs1593200933, ClinGen allele CA387763308.